The following is an entry in ClinVar:

ClinVar aggregate classification (germline): Likely benign. Review status: criteria provided, single submitter (1 of 4 stars). 2 submissions from 2 submitters: Likely benign (1). 1 of the submissions does not count toward it. Last evaluated 2025-11-05.

Conditions:
RBFOX3-related disorder. Also called: RBFOX3-related condition.
Idiopathic generalized epilepsy. Also called: EIG; Generalised epilepsy. Identifiers: MedGen C0270850, MONDO:0005579, OMIM 600669.

gnomAD v4.1: 1 of 1,548,054 alleles (0.000065%); highest among the groups gnomAD compares: Non-Finnish European, 0.000087%; no homozygotes.

Submissions (2):

Labcorp Genetics (formerly Invitae), Labcorp
Classification: Likely benign for Idiopathic generalized epilepsy. Last evaluated: 2025-11-05. Review status: criteria provided, single submitter. Criteria: Invitae Variant Classification Sherloc (09022015). Collection method: clinical testing. Allele origin: germline.

PreventionGenetics, part of Exact Sciences
Classification: Likely benign for RBFOX3-related condition. Last evaluated: 2024-07-20. Review status: no assertion criteria provided. Collection method: clinical testing. Allele origin: germline. Not counted in ClinVar's aggregate classification.
Comment: This variant is classified as likely benign based on ACMG/AMP sequence variant interpretation guidelines (Richards et al. 2015 PMID: 25741868, with internal and published modifications).

NM_001350451.2(RBFOX3):c.651C>T (p.Gly217=)

Gene: RBFOX3 (RNA binding fox-1 homolog 3; minus strand). Cytogenetic location: 17q25.3.
Variant type: single nucleotide variant.
Coding change: c.651C>T on transcript NM_001350451.2 (MANE Select); coding-DNA position 651, C replaced by T.
Protein change: p.Gly217=; no amino-acid change (glycine 217 retained).
Molecular consequence: synonymous variant.
Genome position (GRCh38, 1-based): chr17:79,097,396, G>A on the plus strand (C>T on the coding strand, the complement: RBFOX3 is on the minus strand). VCF-style: chr17-79097396-G-A. GRCh37 (hg19) VCF-style: chr17-77093478-G-A.
Other names: c.651C>T, p.Gly217= (NM_001082575.3, NM_001350453.2, NM_001385804.1 and 33 more transcripts); c.648C>T, p.Gly216= (NM_001385806.1, NM_001385822.1, NM_001385823.1 and 4 more transcripts); c.558C>T, p.Gly186= (NM_001385824.1); c.672C>T, p.Gly224= (NM_001385827.1); c.504C>T, p.Gly168= (NM_001385847.1).
Identifiers: ClinVar variation 3357383 (VCV003357383.2).